The following is an entry in ClinVar:

NM_001282225.2(ADA2):c.369G>T (p.Trp123Cys)

Gene: ADA2 (adenosine deaminase 2; minus strand). Cytogenetic location: 22q11.1.
Variant type: single nucleotide variant.
Coding change: c.369G>T on transcript NM_001282225.2 (MANE Select); coding-DNA position 369, G replaced by T.
Protein change: p.Trp123Cys; replaces tryptophan 123 with cysteine.
Molecular consequence: missense variant.
Genome position (GRCh38, 1-based): chr22:17,207,244, C>A on the plus strand (G>T on the coding strand, the complement: ADA2 is on the minus strand). VCF-style: chr22-17207244-C-A. GRCh37 (hg19) VCF-style: chr22-17688134-C-A.
Other names: c.369G>T, p.Trp123Cys (NM_001282226.2); c.243G>T, p.Trp81Cys (NM_001282227.2, NM_001282228.2); c.9G>T, p.Trp3Cys (NM_001282229.2); short protein forms W81C, W123C, W3C.
Identifiers: ClinVar variation 1491344 (VCV001491344.8), dbSNP rs772909795, ClinGen allele CA410229847.

ClinVar aggregate classification (germline): Likely pathogenic (1 of 4 stars; one submission).

Conditions:
Deficiency of adenosine deaminase 2. Also called: Polyarteritis nodosa, childhoood-onset; VASCULITIS, AUTOINFLAMMATION, IMMUNODEFICIENCY, AND HEMATOLOGIC DEFECTS SYNDROME; Adenosine Deaminase 2 Deficiency. Identifiers: Orphanet 404553, MedGen C3887654, MONDO:0014306, OMIM 615688, MONDO:0100317.

Submission:

Labcorp Genetics (formerly Invitae), Labcorp
Classification: Likely pathogenic for Deficiency of adenosine deaminase 2. Last evaluated: 2023-11-28. Review status: criteria provided, single submitter. Criteria: Invitae Variant Classification Sherloc (09022015). Collection method: clinical testing. Allele origin: germline.
Comment: This sequence change replaces tryptophan, which is neutral and slightly polar, with cysteine, which is neutral and slightly polar, at codon 123 of the ADA2 protein (p.Trp123Cys). This variant is not present in population databases (gnomAD no frequency). This missense change has been observed in individual(s) with clinical features of ADA2-related conditions (Invitae). It has also been observed to segregate with disease in related individuals. ClinVar contains an entry for this variant (Variation ID: 1491344). Advanced modeling of protein sequence and biophysical properties (such as structural, functional, and spatial information, amino acid conservation, physicochemical variation, residue mobility, and thermodynamic stability) performed at Invitae indicates that this missense variant is expected to disrupt ADA2 protein function with a positive predictive value of 95%. In summary, the currently available evidence indicates that the variant is pathogenic, but additional data are needed to prove that conclusively. Therefore, this variant has been classified as Likely Pathogenic.